The following is an entry in ClinVar:

NM_000206.3(IL2RG):c.206A>G (p.Tyr69Cys)

Gene: IL2RG (interleukin 2 receptor subunit gamma; minus strand). Cytogenetic location: Xq13.1.
Variant type: single nucleotide variant.
Coding change: c.206A>G on transcript NM_000206.3 (MANE Select); coding-DNA position 206, A replaced by G.
Protein change: p.Tyr69Cys; replaces tyrosine 69 with cysteine.
Molecular consequence: missense variant.
Genome position (GRCh38, 1-based): chrX:71,110,960, T>C on the plus strand (A>G on the coding strand, the complement: IL2RG is on the minus strand). VCF-style: chrX-71110960-T-C. GRCh37 (hg19) VCF-style: chrX-70330810-T-C.
Other names: short protein forms Y69C.
Identifiers: ClinVar variation 2111173 (VCV002111173.5), dbSNP rs2519647963, ClinGen allele CA413497109.

ClinVar aggregate classification (germline): Conflicting classifications of pathogenicity. Review status: criteria provided, conflicting classifications (1 of 4 stars). 2 submissions from 2 submitters: Likely pathogenic (1); Uncertain significance (1). Last evaluated 2025-12-01.

Conditions:
X-linked severe combined immunodeficiency (SCIDX1). Also called: X-Linked Combined Immunodeficiency Diseases; IMMUNODEFICIENCY 4; SCID, X-LINKED; SEVERE COMBINED IMMUNODEFICIENCY, X-LINKED, T CELL-NEGATIVE, B CELL-POSITIVE, NK CELL-NEGATIVE; T-B+ severe combined immunodeficiency due to gamma chain deficiency. Identifiers: Orphanet 276, MedGen C6022468, MONDO:0010315, OMIM 300400. Disease mechanism: loss of function.

Submissions (2):

Pele Pequeno Principe Research Institute, Faculdades Pequeno Principe
Classification: Likely pathogenic for X-linked severe combined immunodeficiency. Last evaluated: 2025-12-01. Review status: criteria provided, single submitter. Criteria: ACMG Guidelines, 2015. Collection method: research. Allele origin: germline. Inheritance: X-linked inheritance. Affected: yes. Observed: 1 heterozygote.
Comment: The IL2RG:c.A206G:p.Y69C (GRCh38 - chrX:71110960 T>C) variant consists of a single-nucleotide substitution of adenine (A) to guanine (G), resulting in the predicted protein change (p.Y69C). According to the Genome Aggregation Database (gnomAD), this variant is absent from population datasets (PM2). This variant is reported on ClinVar (ID: 2111173/ VCV002111173.3) as a Variant of Uncertain Significance. In silico prediction supports that this missense variant has a deleterious effect on protein structure/function (PP3). It is a non-truncating and non-synonymous variant located in a critical and well-established functional domain (PM1) (PMID: 39822469; 26468051). Based on the collective evidence, the c.A206G variant is classified as likely pathogenic for T-B+ severe combined immune deficiency (SCID).

Labcorp Genetics (formerly Invitae), Labcorp
Classification: Uncertain significance for X-linked severe combined immunodeficiency. Last evaluated: 2022-09-28. Review status: criteria provided, single submitter. Criteria: Invitae Variant Classification Sherloc (09022015). Collection method: clinical testing. Allele origin: germline.
Comment: This variant is not present in population databases (gnomAD no frequency). This sequence change replaces tyrosine, which is neutral and polar, with cysteine, which is neutral and slightly polar, at codon 69 of the IL2RG protein (p.Tyr69Cys). This variant has not been reported in the literature in individuals affected with IL2RG-related conditions. In summary, the available evidence is currently insufficient to determine the role of this variant in disease. Therefore, it has been classified as a Variant of Uncertain Significance. Advanced modeling of protein sequence and biophysical properties (such as structural, functional, and spatial information, amino acid conservation, physicochemical variation, residue mobility, and thermodynamic stability) performed at Invitae indicates that this missense variant is expected to disrupt IL2RG protein function.

Literature cited by the submitters: PubMed 39822469 (cited by Pele Pequeno Principe Research Institute, Faculdades Pequeno Principe); PubMed 26468051 (cited by Pele Pequeno Principe Research Institute, Faculdades Pequeno Principe).